The following is an entry in ClinVar:

NM_001379200.1(TBX1):c.1214C>A (p.Pro405Gln)

Gene: TBX1 (T-box transcription factor 1; plus strand). Cytogenetic location: 22q11.21.
Variant type: single nucleotide variant.
Coding change: c.1214C>A on transcript NM_001379200.1 (MANE Select); coding-DNA position 1214, C replaced by A.
Protein change: p.Pro405Gln; replaces proline 405 with glutamine.
Molecular consequence: missense variant. On other transcripts: intron variant (2).
Genome position (GRCh38, 1-based): chr22:19,766,566, C>A. VCF-style: chr22-19766566-C-A. GRCh37 (hg19) VCF-style: chr22-19754089-C-A.
Other names: c.1187C>A, p.Pro396Gln (NM_080647.1); c.1009+564C>A (NM_005992.1, NM_080646.2); short protein forms P396Q, P405Q.
Identifiers: ClinVar variation 1090353 (VCV001090353.11), dbSNP rs746812421, ClinGen allele CA10102667.

ClinVar aggregate classification (germline): Conflicting classifications of pathogenicity. Review status: criteria provided, conflicting classifications (1 of 4 stars). 3 submissions from 3 submitters: Uncertain significance (2); Likely benign (1). Last evaluated 2026-09-03.

Conditions:
DiGeorge syndrome. Also called: Catch22; THIRD AND FOURTH PHARYNGEAL POUCH SYNDROME. Identifiers: Orphanet 567, MedGen C0012236, MONDO:0008564, OMIM 188400.
TBX1-related disorder. Also called: TBX1-Related Disorders; TBX1-related condition.
Cardiovascular phenotype. Identifiers: MedGen CN230736.

gnomAD v4.1: 23 of 1,442,416 alleles (0.0016%); highest among the groups gnomAD compares: Admixed American, 0.054%; no homozygotes.

Submissions (3):

PreventionGenetics, part of Exact Sciences
Classification: Uncertain significance for TBX1-related condition. Last evaluated: 2026-09-03. Review status: criteria provided, single submitter. Criteria: ACMG Guidelines, 2015. Collection method: clinical testing. Allele origin: germline.
Comment: The TBX1 c.1187C>A variant is predicted to result in the amino acid substitution p.Pro396Gln. To our knowledge, this variant has not been reported in the literature. This variant is reported in 0.11% of alleles in individuals of Latino descent in gnomAD, which may be too frequent to be a primary cause of disease. Although we suspect that this variant may be benign, at this time, the clinical significance of this variant is uncertain due to the absence of conclusive functional and genetic evidence.

Ambry Genetics
Classification: Uncertain significance for Cardiovascular phenotype. Last evaluated: 2026-01-07. Review status: criteria provided, single submitter. Criteria: Ambry Variant Classification Scheme 2023. Collection method: clinical testing. Allele origin: germline.
Comment: The p.P396Q variant (also known as c.1187C>A), located in coding exon 8 of the TBX1 gene, results from a C to A substitution at nucleotide position 1187. The proline at codon 396 is replaced by glutamine, an amino acid with similar properties. This amino acid position is highly conserved in available vertebrate species. In addition, the in silico prediction for this alteration is inconclusive. Based on the available evidence, the clinical significance of this variant remains unclear.

Labcorp Genetics (formerly Invitae), Labcorp
Classification: Likely benign for DiGeorge syndrome. Last evaluated: 2025-09-29. Review status: criteria provided, single submitter. Criteria: Invitae Variant Classification Sherloc (09022015). Collection method: clinical testing. Allele origin: germline.